The following is an entry in ClinVar:

ClinVar aggregate classification (germline): Benign. Review status: criteria provided, multiple submitters, no conflicts (2 of 4 stars). 3 submissions from 3 submitters: Benign (2). 1 of the submissions does not count toward it. Last evaluated 2026-01-05.

Conditions:
FBN3-related disorder. Also called: FBN3-related condition.

Allele frequency attached by ClinVar (database versions not stated): gnomAD exomes 0.00144; ExAC 0.00342; gnomAD 0.00586 and 0.00636; TOPMed 0.00696; 1000 Genomes Project 0.00719; ESP Exome Variant Server 0.00724; 1000 Genomes Project 30x 0.00750.
gnomAD v4.1: 1,707 of 1,601,070 alleles (0.11%); highest among the groups gnomAD compares: African/African-American, 2.1%; 18 homozygotes.

Submissions (3):

Labcorp Genetics (formerly Invitae), Labcorp
Classification: Benign. Last evaluated: 2026-01-05. Review status: criteria provided, single submitter. Criteria: Invitae Variant Classification Sherloc (09022015). Collection method: clinical testing. Allele origin: germline.

Breakthrough Genomics
Classification: Benign. Review status: criteria provided, single submitter. Criteria: ACMG Guidelines, 2015. Collection method: not provided. Allele origin: germline. Inheritance: Unknown mechanism. Affected: yes.

PreventionGenetics, part of Exact Sciences
Classification: Benign for FBN3-related condition. Last evaluated: 2019-06-06. Review status: no assertion criteria provided. Collection method: clinical testing. Allele origin: germline. Not counted in ClinVar's aggregate classification.
Comment: This variant is classified as benign based on ACMG/AMP sequence variant interpretation guidelines (Richards et al. 2015 PMID: 25741868, with internal and published modifications).

NM_032447.5(FBN3):c.321G>A (p.Thr107=)

Gene: FBN3 (fibrillin 3; minus strand). Cytogenetic location: 19p13.2.
Variant type: single nucleotide variant.
Coding change: c.321G>A on transcript NM_032447.5 (MANE Select); coding-DNA position 321, G replaced by A.
Protein change: p.Thr107=; no amino-acid change (threonine 107 retained).
Molecular consequence: synonymous variant.
Genome position (GRCh38, 1-based): chr19:8,146,155, C>T on the plus strand (G>A on the coding strand, the complement: FBN3 is on the minus strand). VCF-style: chr19-8146155-C-T. GRCh37 (hg19) VCF-style: chr19-8211039-C-T.
Other names: c.321G>A (NM_001321431.1); c.321G>A, p.Thr107= (NM_001321431.2).
Identifiers: ClinVar variation 714758 (VCV000714758.12), dbSNP rs115944603, ClinGen allele CA9153769.